The following is an entry in ClinVar:

ClinVar aggregate classification (germline): Uncertain significance (1 of 4 stars; one submission).

Conditions:
Landau-Kleffner syndrome (FESD). Also called: EPILEPSY, FOCAL, WITH SPEECH DISORDER AND WITH OR WITHOUT MENTAL RETARDATION; APHASIA, ACQUIRED, WITH EPILEPSY. Identifiers: Orphanet 1945, Orphanet 725, Orphanet 98818, MedGen C0282512, MONDO:0009509, OMIM 245570.

gnomAD v4.1: 1 of 1,612,272 alleles (0.000062%); highest among the groups gnomAD compares: Non-Finnish European, 0.000085%; no homozygotes.

Submission:

Labcorp Genetics (formerly Invitae), Labcorp
Classification: Uncertain significance for Landau-Kleffner syndrome. Last evaluated: 2024-11-03. Review status: criteria provided, single submitter. Criteria: Invitae Variant Classification Sherloc (09022015). Collection method: clinical testing. Allele origin: germline.
Comment: This sequence change replaces aspartic acid, which is acidic and polar, with valine, which is neutral and non-polar, at codon 347 of the GRIN2A protein (p.Asp347Val). This variant is not present in population databases (gnomAD no frequency). This variant has not been reported in the literature in individuals affected with GRIN2A-related conditions. Invitae Evidence Modeling of protein sequence and biophysical properties (such as structural, functional, and spatial information, amino acid conservation, physicochemical variation, residue mobility, and thermodynamic stability) indicates that this missense variant is expected to disrupt GRIN2A protein function with a positive predictive value of 80%. In summary, the available evidence is currently insufficient to determine the role of this variant in disease. Therefore, it has been classified as a Variant of Uncertain Significance.

NM_001134407.3(GRIN2A):c.1040A>T (p.Asp347Val)

Gene: GRIN2A (glutamate ionotropic receptor NMDA type subunit 2A; minus strand). Cytogenetic location: 16p13.2.
Variant type: single nucleotide variant.
Coding change: c.1040A>T on transcript NM_001134407.3 (MANE Select); coding-DNA position 1040, A replaced by T.
Protein change: p.Asp347Val; replaces aspartic acid 347 with valine.
Molecular consequence: missense variant.
Genome position (GRCh38, 1-based): chr16:9,891,068, T>A on the plus strand (A>T on the coding strand, the complement: GRIN2A is on the minus strand). VCF-style: chr16-9891068-T-A. GRCh37 (hg19) VCF-style: chr16-9984925-T-A.
Other names: c.1040A>T, p.Asp347Val (NM_000833.5, NM_001134408.2); short protein forms D347V.
Identifiers: ClinVar variation 3684434 (VCV003684434.2).